The following is an entry in ClinVar:

NM_000553.6(WRN):c.229G>C (p.Asp77His)

Gene: WRN (WRN RecQ like helicase; plus strand). Cytogenetic location: 8p12.
Variant type: single nucleotide variant.
Coding change: c.229G>C on transcript NM_000553.6 (MANE Select); coding-DNA position 229, G replaced by C.
Protein change: p.Asp77His; replaces aspartic acid 77 with histidine.
Molecular consequence: missense variant.
Genome position (GRCh38, 1-based): chr8:31,064,308, G>C. VCF-style: chr8-31064308-G-C. GRCh37 (hg19) VCF-style: chr8-30921824-G-C.
Other names: short protein forms D77H.
Identifiers: ClinVar variation 284291 (VCV000284291.18), dbSNP rs144670883, ClinGen allele CA4704018.
Genomic context (GRCh38, chr8:31,064,308, plus strand): 5'-ATTTTAACATAAATTAATTTACACTATTTTTCTCACTTTAGCATGAGTCTATCAGATGGG[G>C]ATGTGGTGGGATTTGACATGGAGTGGCCACCATTATACAATAGAGGGAAACTTGGCAAAG-3'
Protein context (NP_000544.2, residues 67-87): EDISMSLSDG[Asp77His]VVGFDMEWPP

ClinVar aggregate classification (germline): Uncertain significance. Review status: criteria provided, multiple submitters, no conflicts (2 of 4 stars). 6 submissions from 6 submitters: Uncertain significance (6). Last evaluated 2024-12-12.

Conditions:
Werner syndrome (WRN). Identifiers: Orphanet 902, MedGen C0043119, MONDO:0010196, OMIM 277700.

Allele frequency attached by ClinVar (database versions not stated): 1000 Genomes Project 30x 0.00016; 1000 Genomes Project 0.00020; TOPMed 0.00022; gnomAD 0.00025; ExAC 0.00031; ESP Exome Variant Server 0.00031.
gnomAD v4.1: 380 of 1,614,048 alleles (0.024%); highest among the groups gnomAD compares: Non-Finnish European, 0.03%; no homozygotes.

Submissions (6):

Labcorp Genetics (formerly Invitae), Labcorp
Classification: Uncertain significance for Werner syndrome. Last evaluated: 2024-12-12. Review status: criteria provided, single submitter. Criteria: Invitae Variant Classification Sherloc (09022015). Collection method: clinical testing. Allele origin: germline.
Comment: This sequence change replaces aspartic acid, which is acidic and polar, with histidine, which is basic and polar, at codon 77 of the WRN protein (p.Asp77His). This variant is present in population databases (rs144670883, gnomAD 0.04%). This variant has not been reported in the literature in individuals affected with WRN-related conditions. ClinVar contains an entry for this variant (Variation ID: 284291). An algorithm developed to predict the effect of missense changes on protein structure and function (PolyPhen-2) suggests that this variant¬†is likely to be tolerated. In summary, the available evidence is currently insufficient to determine the role of this variant in disease. Therefore, it has been classified as a Variant of Uncertain Significance.

GeneDx
Classification: Uncertain significance. Last evaluated: 2024-07-26. Review status: criteria provided, single submitter. Criteria: GeneDx Variant Classification Process June 2021. Collection method: clinical testing. Allele origin: germline. Affected: yes.
Comment: In silico analysis supports that this missense variant has a deleterious effect on protein structure/function; Has not been previously published as pathogenic or benign to our knowledge

Fulgent Genetics
Classification: Uncertain significance for Werner syndrome. Last evaluated: 2024-05-22. Review status: criteria provided, single submitter. Criteria: ACMG Guidelines, 2015. Collection method: clinical testing. Allele origin: germline.

Department of Pathology and Laboratory Medicine, Sinai Health System
Classification: Uncertain significance for Werner syndrome. Last evaluated: 2022-01-25. Review status: criteria provided, single submitter. Criteria: ACMG Guidelines, 2015. Collection method: research. Allele origin: germline.

Illumina Laboratory Services, Illumina
Classification: Uncertain significance for Werner syndrome. Last evaluated: 2018-01-13. Review status: criteria provided, single submitter. Criteria: ICSL Variant Classification Criteria 13 December 2019. Collection method: clinical testing. Allele origin: germline.

Eurofins Ntd Llc (ga)
Classification: Uncertain significance. Last evaluated: 2015-11-05. Review status: criteria provided, single submitter. Criteria: EGL Classification Definitions 2015. Collection method: clinical testing. Allele origin: germline. Observed: 1 variant allele, 1 heterozygote.